The following is an entry in ClinVar:

ClinVar aggregate classification (germline): Uncertain significance. Review status: criteria provided, multiple submitters, no conflicts (2 of 4 stars). 2 submissions from 2 submitters: Uncertain significance (2). Last evaluated 2026-03-24.

Conditions:
Inborn genetic diseases. Identifiers: MedGen C0950123, MeSH D030342.
Fanconi anemia (FA). Also called: Fanconi's anemia. Identifiers: Orphanet 84, MedGen C0015625, MeSH D005199, MONDO:0019391.

Submissions (2):

Ambry Genetics
Classification: Uncertain significance for Inborn genetic diseases. Last evaluated: 2026-03-24. Review status: criteria provided, single submitter. Criteria: Ambry Variant Classification Scheme 2023. Collection method: clinical testing. Allele origin: germline.
Comment: The p.L334V variant (also known as c.1000C>G), located in coding exon 11 of the FANCA gene, results from a C to G substitution at nucleotide position 1000. The leucine at codon 334 is replaced by valine, an amino acid with highly similar properties. This amino acid position is conserved. In addition, this alteration is predicted to be tolerated by in silico analysis. Based on the available evidence, the clinical significance of this variant remains unclear.

Labcorp Genetics (formerly Invitae), Labcorp
Classification: Uncertain significance for Fanconi anemia. Last evaluated: 2023-05-17. Review status: criteria provided, single submitter. Criteria: Invitae Variant Classification Sherloc (09022015). Collection method: clinical testing. Allele origin: germline.
Comment: This variant has not been reported in the literature in individuals affected with FANCA-related conditions. In summary, the available evidence is currently insufficient to determine the role of this variant in disease. Therefore, it has been classified as a Variant of Uncertain Significance. Advanced modeling of protein sequence and biophysical properties (such as structural, functional, and spatial information, amino acid conservation, physicochemical variation, residue mobility, and thermodynamic stability) performed at Invitae indicates that this missense variant is expected to disrupt FANCA protein function. This variant is not present in population databases (gnomAD no frequency). This sequence change replaces leucine, which is neutral and non-polar, with valine, which is neutral and non-polar, at codon 334 of the FANCA protein (p.Leu334Val).

NM_000135.4(FANCA):c.1000C>G (p.Leu334Val)

Gene: FANCA (FA complementation group A; minus strand). Cytogenetic location: 16q24.3.
Variant type: single nucleotide variant.
Coding change: c.1000C>G on transcript NM_000135.4 (MANE Select); coding-DNA position 1000, C replaced by G.
Protein change: p.Leu334Val; replaces leucine 334 with valine.
Molecular consequence: missense variant.
Genome position (GRCh38, 1-based): chr16:89,795,912, G>C on the plus strand (C>G on the coding strand, the complement: FANCA is on the minus strand). VCF-style: chr16-89795912-G-C. GRCh37 (hg19) VCF-style: chr16-89862320-G-C.
Other names: c.1000C>G, p.Leu334Val (NM_001286167.3); short protein forms L334V.
Identifiers: ClinVar variation 2990341 (VCV002990341.4), dbSNP rs1405549284, ClinGen allele CA397469780.